The following is an entry in ClinVar:

ClinVar aggregate classification (germline): Likely benign. Review status: criteria provided, multiple submitters, no conflicts (2 of 4 stars). 3 submissions from 3 submitters: Likely benign (3). Last evaluated 2025-10-08.

Allele frequency attached by ClinVar (database versions not stated): gnomAD 0.00034; TOPMed 0.00038; gnomAD exomes 0.00061; ExAC 0.00065; 1000 Genomes Project 30x 0.00078; 1000 Genomes Project 0.00100.
gnomAD v4.1: 907 of 1,573,692 alleles (0.058%); highest among the groups gnomAD compares: Non-Finnish European, 0.075%; 4 homozygotes.

Submissions (3):

Mayo Clinic Laboratories, Mayo Clinic
Classification: Likely benign. Last evaluated: 2025-10-08. Review status: criteria provided, single submitter. Criteria: ACMG Guidelines, 2015. Collection method: clinical testing. Allele origin: germline. Observed: 1 variant allele.
Comment: BP4, BP7

CeGaT Center for Human Genetics Tuebingen
Classification: Likely benign. Last evaluated: 2024-10-01. Review status: criteria provided, single submitter. Criteria: CeGaT Center For Human Genetics Tuebingen Variant Classification Criteria Version 2. Collection method: clinical testing. Allele origin: germline. Affected: yes. Observed: 3 variant alleles.
Comment: TNXB: BP4, BP7

Blueprint Genetics
Classification: Likely benign. Last evaluated: 2024-09-04. Review status: criteria provided, single submitter. Criteria: ACMG Guidelines, 2015. Collection method: clinical testing. Allele origin: germline.

NM_001365276.2(TNXB):c.11358C>T (p.Phe3786=)

Genes: TNXB (tenascin XB; minus strand), LOC106780803 (tenascin XB recombination region; plus strand). Cytogenetic location: 6p21.33.
Variant type: single nucleotide variant.
Coding change: c.11358C>T on transcript NM_001365276.2 (MANE Select); coding-DNA position 11358, C replaced by T.
Protein change: p.Phe3786=; no amino-acid change (phenylalanine 3786 retained).
Molecular consequence: synonymous variant.
Genome position (GRCh38, 1-based): chr6:32,044,035, G>A on the plus strand (C>T on the coding strand, the complement: TNXB is on the minus strand). VCF-style: chr6-32044035-G-A. GRCh37 (hg19) VCF-style: chr6-32011812-G-A.
Other names: p.Phe3784=; c.11352C>T, p.Phe3784= (NM_019105.8); c.645C>T, p.Phe215= (NM_032470.4).
Identifiers: ClinVar variation 2656440 (VCV002656440.26), dbSNP rs572418615, ClinGen allele CA3733068.